The following is an entry in ClinVar:

NM_000506.5(F2):c.214G>A (p.Glu72Lys)

Gene: F2 (coagulation factor II, thrombin; plus strand). Cytogenetic location: 11p11.2.
Variant type: single nucleotide variant.
Coding change: c.214G>A on transcript NM_000506.5 (MANE Select); coding-DNA position 214, G replaced by A.
Protein change: p.Glu72Lys; replaces glutamic acid 72 with lysine.
Molecular consequence: missense variant.
Genome position (GRCh38, 1-based): chr11:46,719,836, G>A. VCF-style: chr11-46719836-G-A. GRCh37 (hg19) VCF-style: chr11-46741386-G-A.
Other names: short protein forms E72K.
Identifiers: ClinVar variation 4753373 (VCV004753373.1).

ClinVar aggregate classification (germline): Uncertain significance (1 of 4 stars; one submission).

Conditions:
Congenital prothrombin deficiency. Also called: HYPOPROTHROMBINEMIA; Factor II deficiency; Hereditary factor II deficiency disease; Inherited hypoprothrombinemia; Congenital factor II deficiency; Inherited prothrombin deficiency. Identifiers: Orphanet 325, MedGen C0272317, MONDO:0013361, OMIM 613679.

gnomAD v4.1: 3 of 1,578,352 alleles (0.00019%); highest among the groups gnomAD compares: Non-Finnish European, 0.00017%; no homozygotes.

Submission:

Labcorp Genetics (formerly Invitae), Labcorp
Classification: Uncertain significance for Congenital prothrombin deficiency. Last evaluated: 2025-12-15. Review status: criteria provided, single submitter. Criteria: Invitae Variant Classification Sherloc (09022015). Collection method: clinical testing. Allele origin: germline.
Comment: This sequence change replaces glutamic acid, which is acidic and polar, with lysine, which is basic and polar, at codon 72 of the F2 protein (p.Glu72Lys). This variant is not present in population databases (gnomAD no frequency). This variant has not been reported in the literature in individuals affected with F2-related conditions. An algorithm developed to predict the effect of missense changes on protein structure and function (PolyPhen-2) suggests that this variant is likely to be disruptive. In summary, the available evidence is currently insufficient to determine the role of this variant in disease. Therefore, it has been classified as a Variant of Uncertain Significance.